The following is an entry in ClinVar:

NM_006346.4(PIBF1):c.1900C>A (p.Arg634Ser)

Gene: PIBF1 (progesterone immunomodulatory binding factor 1; plus strand). Cytogenetic location: 13q22.1.
Variant type: single nucleotide variant.
Coding change: c.1900C>A on transcript NM_006346.4 (MANE Select); coding-DNA position 1900, C replaced by A.
Protein change: p.Arg634Ser; replaces arginine 634 with serine.
Molecular consequence: missense variant. On other transcripts: non-coding transcript variant (2).
Genome position (GRCh38, 1-based): chr13:72,965,340, C>A. VCF-style: chr13-72965340-C-A. GRCh37 (hg19) VCF-style: chr13-73539478-C-A.
Other names: c.1987C>A, p.Arg663Ser (NM_001349655.2); short protein forms R634S, R663S.
Identifiers: ClinVar variation 3766244 (VCV003766244.2).

ClinVar aggregate classification (germline): Uncertain significance. Review status: criteria provided, multiple submitters, no conflicts (2 of 4 stars). 2 submissions from 2 submitters: Uncertain significance (2). Last evaluated 2025-02-20.

Conditions:
Inborn genetic diseases. Identifiers: MedGen C0950123, MeSH D030342.

gnomAD v4.1: 3 of 1,607,482 alleles (0.00019%); highest among the groups gnomAD compares: Admixed American, 0.005%; no homozygotes.

Submissions (2):

Ambry Genetics
Classification: Uncertain significance for Inborn genetic diseases. Last evaluated: 2025-02-20. Review status: criteria provided, single submitter. Criteria: Ambry Variant Classification Scheme 2023. Collection method: clinical testing. Allele origin: germline.

GeneDx
Classification: Uncertain significance. Last evaluated: 2024-08-23. Review status: criteria provided, single submitter. Criteria: GeneDx Variant Classification Process June 2021. Collection method: clinical testing. Allele origin: germline. Affected: yes.
Comment: In silico analysis supports that this missense variant has a deleterious effect on protein structure/function; Has not been previously published as pathogenic or benign to our knowledge